The following is an entry in ClinVar:

ClinVar aggregate classification (germline): Uncertain significance (1 of 4 stars; one submission).

Conditions:
Multiple gastrointestinal atresias. Also called: Multiple intestinal atresia; FAMILIAL INTESTINAL POLYATRESIA SYNDROME. Identifiers: Orphanet 2300, MedGen C0220744, MONDO:0009465.

gnomAD v4.1: 1 of 1,604,750 alleles (0.000062%); highest among the groups gnomAD compares: Admixed American, 0.0017%; no homozygotes.

Submission:

Labcorp Genetics (formerly Invitae), Labcorp
Classification: Uncertain significance for Multiple gastrointestinal atresias. Last evaluated: 2021-11-27. Review status: criteria provided, single submitter. Criteria: Invitae Variant Classification Sherloc (09022015). Collection method: clinical testing. Allele origin: germline.
Comment: In summary, the available evidence is currently insufficient to determine the role of this variant in disease. Therefore, it has been classified as a Variant of Uncertain Significance. Variants that disrupt the consensus splice site are a relatively common cause of aberrant splicing (PMID: 17576681, 9536098). Algorithms developed to predict the effect of sequence changes on RNA splicing suggest that this variant is not likely to affect RNA splicing. This variant has not been reported in the literature in individuals affected with TTC7A-related conditions. This variant is not present in population databases (gnomAD no frequency). This sequence change falls in intron 14 of the TTC7A gene. It does not directly change the encoded amino acid sequence of the TTC7A protein. It affects a nucleotide within the consensus splice site.

Literature cited by the submitters: PubMed 17576681; PubMed 9536098.

NM_020458.4(TTC7A):c.1641+3G>A

Gene: TTC7A (tetratricopeptide repeat domain 7A; plus strand). Cytogenetic location: 2p21.
Variant type: single nucleotide variant.
Coding change: c.1641+3G>A on transcript NM_020458.4 (MANE Select); 3 bases into the intron after coding-DNA position 1641, G replaced by A.
Molecular consequence: intron variant.
Genome position (GRCh38, 1-based): chr2:47,024,362, G>A. VCF-style: chr2-47024362-G-A. GRCh37 (hg19) VCF-style: chr2-47251501-G-A.
Other names: c.1539+3G>A (NM_001288953.2); c.1641+3G>A (NM_001288951.2); c.579+3G>A (NM_001288955.2).
Identifiers: ClinVar variation 1502169 (VCV001502169.6), dbSNP rs370452371, ClinGen allele CA769417398.